The following is an entry in ClinVar:

ClinVar aggregate classification (germline): Benign/Likely benign. Review status: criteria provided, multiple submitters, no conflicts (2 of 4 stars). 4 submissions from 4 submitters: Benign (1); Likely benign (3). Last evaluated 2024-08-22.

Conditions:
Hereditary cancer-predisposing syndrome. Also called: Tumor predisposition; Hereditary neoplastic syndrome; Neoplastic Syndromes, Hereditary; Hereditary Cancer Syndrome. Identifiers: Orphanet 140162, MedGen C0027672, MeSH D009386, MONDO:0015356.
Fanconi anemia complementation group J. Also called: BRIP1-Related Fanconi Anemia. Identifiers: Orphanet 84, MedGen C1836860, MONDO:0012187, OMIM 609054.
Familial cancer of breast. Also called: hereditary breast carcinoma; Hereditary breast cancer; BREAST CANCER, FAMILIAL. Identifiers: Orphanet 227535, MedGen C0346153, MONDO:0016419, OMIM 114480. Disease mechanism: loss of function.

Allele frequency attached by ClinVar (database versions not stated): gnomAD exomes below 0.00001; TOPMed below 0.00001; gnomAD 0.00001.
gnomAD v4.1: 2 of 1,613,938 alleles (0.00012%); highest among the groups gnomAD compares: Middle Eastern, 0.016%; no homozygotes.

Submissions (4):

Myriad Genetics, Inc.
Classification: Benign for Familial cancer of breast. Last evaluated: 2024-08-22. Review status: criteria provided, single submitter. Criteria: Myriad Autosomal Dominant, Autosomal Recessive and X-Linked Classification Criteria (2023). Collection method: clinical testing. Allele origin: unknown.
Comment: This variant is considered benign. This variant is a silent/synonymous amino acid change and it is not expected to impact splicing.

Ambry Genetics
Classification: Likely benign for Hereditary cancer-predisposing syndrome. Last evaluated: 2024-01-01. Review status: criteria provided, single submitter. Criteria: Ambry Variant Classification Scheme 2023. Collection method: clinical testing. Allele origin: germline.

Labcorp Genetics (formerly Invitae), Labcorp
Classification: Likely benign for Familial cancer of breast; Fanconi anemia complementation group J. Last evaluated: 2023-09-19. Review status: criteria provided, single submitter. Criteria: Invitae Variant Classification Sherloc (09022015). Collection method: clinical testing. Allele origin: germline.

Color Diagnostics, LLC DBA Color Health
Classification: Likely benign for Hereditary cancer-predisposing syndrome. Last evaluated: 2019-01-14. Review status: criteria provided, single submitter. Criteria: ACMG Guidelines, 2015. Collection method: clinical testing. Allele origin: germline.

NM_032043.3(BRIP1):c.1059C>T (p.Tyr353=)

Gene: BRIP1 (BRCA1 interacting DNA helicase 1; minus strand). Cytogenetic location: 17q23.2.
Variant type: single nucleotide variant.
Coding change: c.1059C>T on transcript NM_032043.3 (MANE Select); coding-DNA position 1059, C replaced by T.
Protein change: p.Tyr353=; no amino-acid change (tyrosine 353 retained).
Molecular consequence: synonymous variant.
Genome position (GRCh38, 1-based): chr17:61,801,334, G>A on the plus strand (C>T on the coding strand, the complement: BRIP1 is on the minus strand). VCF-style: chr17-61801334-G-A. GRCh37 (hg19) VCF-style: chr17-59878695-G-A.
Identifiers: ClinVar variation 220088 (VCV000220088.15), dbSNP rs864622375, ClinGen allele CA349625.